The following is an entry in ClinVar:

ClinVar aggregate classification (germline): Uncertain significance. Review status: criteria provided, multiple submitters, no conflicts (2 of 4 stars). 2 submissions from 2 submitters: Uncertain significance (2). Last evaluated 2025-04-16.

Conditions:
Oligodontia-cancer predisposition syndrome. Also called: TOOTH AGENESIS-COLORECTAL CANCER SYNDROME. Identifiers: Orphanet 300576, MedGen C1837750, MONDO:0012075, OMIM 608615. Disease mechanism: loss of function.
Hereditary cancer-predisposing syndrome. Also called: Tumor predisposition; Hereditary neoplastic syndrome; Neoplastic Syndromes, Hereditary; Hereditary Cancer Syndrome. Identifiers: Orphanet 140162, MedGen C0027672, MeSH D009386, MONDO:0015356.

Allele frequency attached by ClinVar (database versions not stated): gnomAD exomes below 0.00001.
gnomAD v4.1: 1 of 1,613,168 alleles (0.000062%); highest among the groups gnomAD compares: African/African-American, 0.0013%; no homozygotes.

Submissions (2):

Labcorp Genetics (formerly Invitae), Labcorp
Classification: Uncertain significance for Oligodontia-cancer predisposition syndrome. Last evaluated: 2025-04-16. Review status: criteria provided, single submitter. Criteria: Invitae Variant Classification Sherloc (09022015). Collection method: clinical testing. Allele origin: germline.
Comment: This sequence change affects codon 704 of the AXIN2 mRNA. It is a 'silent' change, meaning that it does not change the encoded amino acid sequence of the AXIN2 protein. This variant is present in population databases (no rsID available, gnomAD 0.007%). This variant has not been reported in the literature in individuals affected with AXIN2-related conditions. ClinVar contains an entry for this variant (Variation ID: 665956). RNA analysis performed to evaluate the impact of this variant on mRNA splicing indicates it does not significantly alter splicing (internal data). In summary, the available evidence is currently insufficient to determine the role of this variant in disease. Therefore, it has been classified as a Variant of Uncertain Significance.

Ambry Genetics
Classification: Uncertain significance for Hereditary cancer-predisposing syndrome. Last evaluated: 2021-03-03. Review status: criteria provided, single submitter. Criteria: Ambry Variant Classification Scheme 2023. Collection method: clinical testing. Allele origin: germline.
Comment: The c.2110C>T variant (also known as p.L704L), located in coding exon 7 of the AXIN2 gene, results from a C to T substitution at nucleotide position 2110. This nucleotide substitution does not change the amino acid at codon 704. This nucleotide position is well conserved in available vertebrate species. In silico splice site analysis predicts that this alteration will result in the creation or strengthening of a novel splice donor site. Since supporting evidence is limited at this time, the clinical significance of this alteration remains unclear.

NM_004655.4(AXIN2):c.2110C>T (p.Leu704=)

Gene: AXIN2 (axin 2; minus strand). Cytogenetic location: 17q24.1.
Variant type: single nucleotide variant.
Coding change: c.2110C>T on transcript NM_004655.4 (MANE Select); coding-DNA position 2110, C replaced by T.
Protein change: p.Leu704=; no amino-acid change (leucine 704 retained).
Molecular consequence: synonymous variant.
Genome position (GRCh38, 1-based): chr17:65,536,351, G>A on the plus strand (C>T on the coding strand, the complement: AXIN2 is on the minus strand). VCF-style: chr17-65536351-G-A. GRCh37 (hg19) VCF-style: chr17-63532469-G-A.
Other names: c.2110C>T (LRG_296t1); c.1915C>T, p.Leu639= (NM_001363813.1).
Identifiers: ClinVar variation 665956 (VCV000665956.11), dbSNP rs1283125226, ClinGen allele CA501690893.